The following is an entry in ClinVar:

NM_004979.6(KCND1):c.1735G>A (p.Ala579Thr)

Gene: KCND1 (potassium voltage-gated channel subfamily D member 1; minus strand). Cytogenetic location: Xp11.23.
Variant type: single nucleotide variant.
Coding change: c.1735G>A on transcript NM_004979.6 (MANE Select); coding-DNA position 1735, G replaced by A.
Protein change: p.Ala579Thr; replaces alanine 579 with threonine.
Molecular consequence: missense variant.
Genome position (GRCh38, 1-based): chrX:48,962,790, C>T on the plus strand (G>A on the coding strand, the complement: KCND1 is on the minus strand). VCF-style: chrX-48962790-C-T. GRCh37 (hg19) VCF-style: chrX-48820051-C-T.
Other names: short protein forms A579T.
Identifiers: ClinVar variation 5009395 (VCV005009395.1).
Genomic context (GRCh38, chrX:48,962,790, plus strand): 5'-TAATGGCAGCCACGAAGTCCCGGCTGTCGCAGTTCAGGTCAAGGCTGTCATGGGGCTTGG[C>T]ATTGAGGCTGGAACGGCTGTGGACAAGGGTGGAGAAGATGGAAGGCTCTTAAAAAGTTAT-3'
Protein context (NP_004970.3, residues 569-589): HAPQSRSSLN[Ala579Thr]KPHDSLDLNC

ClinVar aggregate classification (germline): Uncertain significance (1 of 4 stars; one submission).

gnomAD v4.1: 1 of 1,210,231 alleles (0.000083%); highest among the groups gnomAD compares: Admixed American, 0.0022%; no homozygotes.

Submission:

GeneDx
Classification: Uncertain significance. Last evaluated: 2026-02-12. Review status: criteria provided, single submitter. Criteria: GeneDx Variant Classification Process June 2021. Collection method: clinical testing. Allele origin: germline.
Comment: In silico analysis suggests that this missense variant does not alter protein structure/function; Has not been previously published as pathogenic or benign to our knowledge